The following is an entry in ClinVar:

NM_015978.3(TNNI3K):c.1856A>G (p.Asp619Gly)

Genes: FPGT-TNNI3K (FPGT-TNNI3K readthrough; plus strand), TNNI3K (TNNI3 interacting kinase; plus strand). Cytogenetic location: 1p31.1.
Variant type: single nucleotide variant.
Coding change: c.1856A>G on transcript NM_015978.3 (MANE Select); coding-DNA position 1856, A replaced by G.
Protein change: p.Asp619Gly; replaces aspartic acid 619 with glycine.
Molecular consequence: missense variant.
Genome position (GRCh38, 1-based): chr1:74,436,504, A>G. VCF-style: chr1-74436504-A-G. GRCh37 (hg19) VCF-style: chr1-74902188-A-G.
Other names: c.2159A>G, p.Asp720Gly (NM_001112808.3, NM_001199327.2); short protein forms D720G, D619G.
Identifiers: ClinVar variation 2115808 (VCV002115808.4), dbSNP rs764378603, ClinGen allele CA909467.

ClinVar aggregate classification (germline): Uncertain significance (1 of 4 stars; one submission).

Allele frequency attached by ClinVar (database versions not stated): ExAC 0.00001.
gnomAD v4.1: 1 of 1,587,684 alleles (0.000063%); highest among the groups gnomAD compares: Non-Finnish European, 0.000085%; no homozygotes.

Submission:

Labcorp Genetics (formerly Invitae), Labcorp
Classification: Uncertain significance. Last evaluated: 2025-08-17. Review status: criteria provided, single submitter. Criteria: Invitae Variant Classification Sherloc (09022015). Collection method: clinical testing. Allele origin: germline.
Comment: This sequence change replaces aspartic acid, which is acidic and polar, with glycine, which is neutral and non-polar, at codon 619 of the TNNI3K protein (p.Asp619Gly). The frequency data for this variant in the population databases is considered unreliable, as metrics indicate poor data quality at this position in the gnomAD database. This variant has not been reported in the literature in individuals affected with TNNI3K-related conditions. ClinVar contains an entry for this variant (Variation ID: 2115808). An algorithm developed to predict the effect of missense changes on protein structure and function (PolyPhen-2) suggests that this variant is likely to be disruptive. In summary, the available evidence is currently insufficient to determine the role of this variant in disease. Therefore, it has been classified as a Variant of Uncertain Significance.